The following is an entry in ClinVar:

NM_152443.3(RDH12):c.664G>A (p.Gly222Arg)

Genes: GPHN (gephyrin; plus strand), RDH12 (retinol dehydrogenase 12; plus strand), ZFYVE26 (zinc finger FYVE-type containing 26; minus strand). Cytogenetic location: 14q24.1.
Variant type: single nucleotide variant.
Coding change: c.664G>A on transcript NM_152443.3 (MANE Select); coding-DNA position 664, G replaced by A.
Protein change: p.Gly222Arg; replaces glycine 222 with arginine.
Molecular consequence: missense variant.
Genome position (GRCh38, 1-based): chr14:67,729,196, G>A. VCF-style: chr14-67729196-G-A. GRCh37 (hg19) VCF-style: chr14-68195913-G-A.
Other names: short protein forms G222R.
Identifiers: ClinVar variation 2054303 (VCV002054303.5), dbSNP rs748826639, ClinGen allele CA262810062.

ClinVar aggregate classification (germline): Uncertain significance. Review status: criteria provided, multiple submitters, no conflicts (2 of 4 stars). 3 submissions from 3 submitters: Uncertain significance (3). Last evaluated 2024-04-04.

Conditions:
Leber congenital amaurosis 13 (LCA13). Identifiers: MedGen C2675186, MONDO:0012990, OMIM 612712.

Allele frequency attached by ClinVar (database versions not stated): gnomAD 0.00001; gnomAD exomes 0.00001; TOPMed 0.00001.
gnomAD v4.1: 21 of 1,612,540 alleles (0.0013%); highest among the groups gnomAD compares: Non-Finnish European, 0.0017%; no homozygotes.

Submissions (3):

Fulgent Genetics
Classification: Uncertain significance for Leber congenital amaurosis 13. Last evaluated: 2024-04-04. Review status: criteria provided, single submitter. Criteria: ACMG Guidelines, 2015. Collection method: clinical testing. Allele origin: germline.

Labcorp Genetics (formerly Invitae), Labcorp
Classification: Uncertain significance for Leber congenital amaurosis 13. Last evaluated: 2024-03-05. Review status: criteria provided, single submitter. Criteria: Invitae Variant Classification Sherloc (09022015). Collection method: clinical testing. Allele origin: germline.
Comment: This sequence change replaces glycine, which is neutral and non-polar, with arginine, which is basic and polar, at codon 222 of the RDH12 protein (p.Gly222Arg). This variant is present in population databases (no rsID available, gnomAD 0.002%). This missense change has been observed in individual(s) with Leber congenital amaurosis (PMID: 17964524). ClinVar contains an entry for this variant (Variation ID: 2054303). Advanced modeling of protein sequence and biophysical properties (such as structural, functional, and spatial information, amino acid conservation, physicochemical variation, residue mobility, and thermodynamic stability) performed at Invitae indicates that this missense variant is not expected to disrupt RDH12 protein function with a negative predictive value of 80%. In summary, the available evidence is currently insufficient to determine the role of this variant in disease. Therefore, it has been classified as a Variant of Uncertain Significance.

Blueprint Genetics
Classification: Uncertain significance. Last evaluated: 2022-03-18. Review status: criteria provided, single submitter. Criteria: ACMG Guidelines, 2015. Collection method: clinical testing. Allele origin: germline.

Literature cited by the submitters: PubMed 17964524 (cited by Labcorp Genetics (formerly Invitae), Labcorp).